The following is an entry in ClinVar:

ClinVar aggregate classification (germline): Uncertain significance (1 of 4 stars; one submission).

Conditions:
Charcot-Marie-Tooth disease axonal type 2L. Also called: CHARCOT-MARIE-TOOTH DISEASE, AXONAL, AUTOSOMAL DOMINANT, TYPE 2L; CHARCOT-MARIE-TOOTH NEUROPATHY, AXONAL, TYPE 2L; Charcot-Marie-Tooth Neuropathy Type 2L. Identifiers: Orphanet 99945, MedGen C1837552, MONDO:0012096, OMIM 608673.

gnomAD v4.1: 2 of 1,581,914 alleles (0.00013%); highest among the groups gnomAD compares: African/African-American, 0.0014%; no homozygotes.

Submission:

Labcorp Genetics (formerly Invitae), Labcorp
Classification: Uncertain significance for Charcot-Marie-Tooth disease axonal type 2L. Last evaluated: 2024-06-25. Review status: criteria provided, single submitter. Criteria: Invitae Variant Classification Sherloc (09022015). Collection method: clinical testing. Allele origin: germline.
Comment: This sequence change replaces valine, which is neutral and non-polar, with methionine, which is neutral and non-polar, at codon 119 of the HSPB8 protein (p.Val119Met). This variant is not present in population databases (gnomAD no frequency). This variant has not been reported in the literature in individuals affected with HSPB8-related conditions. An algorithm developed to predict the effect of missense changes on protein structure and function (PolyPhen-2) suggests that this variant is likely to be disruptive. In summary, the available evidence is currently insufficient to determine the role of this variant in disease. Therefore, it has been classified as a Variant of Uncertain Significance.

NM_014365.3(HSPB8):c.355G>A (p.Val119Met)

Gene: HSPB8 (heat shock protein family B (small) member 8; plus strand). Cytogenetic location: 12q24.23.
Variant type: single nucleotide variant.
Coding change: c.355G>A on transcript NM_014365.3 (MANE Select); coding-DNA position 355, G replaced by A.
Protein change: p.Val119Met; replaces valine 119 with methionine.
Molecular consequence: missense variant.
Genome position (GRCh38, 1-based): chr12:119,179,667, G>A. VCF-style: chr12-119179667-G-A. GRCh37 (hg19) VCF-style: chr12-119617472-G-A.
Other names: short protein forms V119M.
Identifiers: ClinVar variation 3695303 (VCV003695303.2).